The following is an entry in ClinVar:

ClinVar aggregate classification (germline): Uncertain significance (1 of 4 stars; one submission).

Conditions:
Ataxia-telangiectasia syndrome (AT). Also called: Ataxia telangiectasia (A-T); ATAXIA-TELANGIECTASIA, COMPLEMENTATION GROUP A; ATAXIA-TELANGIECTASIA, FRESNO VARIANT; Ataxia-telangiectasia; Ataxia-telangiectasia, complementation group E; LOUIS-BAR SYNDROME. Identifiers: Orphanet 100, MedGen C0004135, MONDO:0008840, OMIM 208900.

Allele frequency attached by ClinVar (database versions not stated): gnomAD exomes below 0.00001.
gnomAD v4.1: 1 of 1,613,672 alleles (0.000062%); no homozygotes.

Submission:

Labcorp Genetics (formerly Invitae), Labcorp
Classification: Uncertain significance for Ataxia-telangiectasia syndrome. Last evaluated: 2021-04-23. Review status: criteria provided, single submitter. Criteria: Invitae Variant Classification Sherloc (09022015). Collection method: clinical testing. Allele origin: germline.
Comment: In summary, the available evidence is currently insufficient to determine the role of this variant in disease. Therefore, it has been classified as a Variant of Uncertain Significance. Algorithms developed to predict the effect of missense changes on protein structure and function (SIFT, PolyPhen-2, Align-GVGD) all suggest that this variant is likely to be tolerated, but these predictions have not been confirmed by published functional studies and their clinical significance is uncertain. This variant has not been reported in the literature in individuals with ATM-related conditions. This variant is not present in population databases (ExAC no frequency). This sequence change replaces aspartic acid with glycine at codon 2249 of the ATM protein (p.Asp2249Gly). The aspartic acid residue is moderately conserved and there is a moderate physicochemical difference between aspartic acid and glycine.

NM_000051.4(ATM):c.6746A>G (p.Asp2249Gly)

Genes: ATM (ATM serine/threonine kinase; plus strand), C11orf65 (chromosome 11 open reading frame 65; minus strand). Cytogenetic location: 11q22.3.
Variant type: single nucleotide variant.
Coding change: c.6746A>G on transcript NM_000051.4 (MANE Select); coding-DNA position 6746, A replaced by G.
Protein change: p.Asp2249Gly; replaces aspartic acid 2249 with glycine.
Molecular consequence: missense variant. On other transcripts: intron variant (2).
Genome position (GRCh38, 1-based): chr11:108,325,483, A>G. VCF-style: chr11-108325483-A-G. GRCh37 (hg19) VCF-style: chr11-108196210-A-G.
Other names: c.6746A>G, p.Asp2249Gly (NM_001351834.2); c.641-16412T>C (NM_001330368.2); c.*38+9737T>C (NM_001351110.2); short protein forms D2249G.
Identifiers: ClinVar variation 1024339 (VCV001024339.47), dbSNP rs1277367898, ClinGen allele CA382555224.
Genomic context (GRCh38, chr11:108,325,483, plus strand): 5'-TCATTTTGGAGATCCTGATGGAAAAGGAAATGGACAACTCACAAAGAGAATGTATTAAGG[A>G]CATTCTCACCAAACACCTTGTAGAACTCTCTATACTGGCCAGAACTTTCAAGAACACTCA-3'
Protein context (NP_000042.3, residues 2239-2259): MDNSQRECIK[Asp2249Gly]ILTKHLVELS